The following is an entry in ClinVar:

ClinVar aggregate classification (germline): Benign/Likely benign. Review status: criteria provided, multiple submitters, no conflicts (2 of 4 stars). 19 submissions from 19 submitters: Benign (12); Likely benign (1). 6 of the submissions do not count toward it. Last evaluated 2026-02-04.

Conditions:
Hereditary cancer-predisposing syndrome. Also called: Tumor predisposition; Neoplastic Syndromes, Hereditary; Hereditary neoplastic syndrome; Hereditary Cancer Syndrome. Identifiers: Orphanet 140162, MedGen C0027672, MeSH D009386, MONDO:0015356.
Colorectal cancer, susceptibility to, 12 (CRCS12). Also called: COLORECTAL CANCER, SUSCEPTIBILITY TO, ON CHROMOSOME 12q24. Identifiers: Orphanet 220460, MedGen C3554460, MONDO:0014038, OMIM 615083.

Allele frequency attached by ClinVar (database versions not stated): ESP Exome Variant Server 0.01861; gnomAD 0.02649 and 0.02670; gnomAD exomes 0.02686 and 0.03822; 1000 Genomes Project 0.02696; 1000 Genomes Project 30x 0.02967; TOPMed 0.03009; ExAC 0.03330.
gnomAD v4.1: 43,015 of 1,613,706 alleles (2.7%); highest among the groups gnomAD compares: Admixed American, 14%; 1,214 homozygotes.

Submissions (19):

Labcorp Genetics (formerly Invitae), Labcorp
Classification: Benign. Last evaluated: 2026-02-04. Review status: criteria provided, single submitter. Criteria: Invitae Variant Classification Sherloc (09022015). Collection method: clinical testing. Allele origin: germline.

ARUP Laboratories, Molecular Genetics and Genomics, ARUP Laboratories
Classification: Benign. Last evaluated: 2025-03-13. Review status: criteria provided, single submitter. Criteria: ARUP Molecular Germline Variant Investigation Process 2024. Collection method: clinical testing. Allele origin: germline.

Center for Genomic Medicine, Rigshospitalet, Copenhagen University Hospital
Classification: Benign. Last evaluated: 2025-03-04. Review status: criteria provided, single submitter. Criteria: ACMG Guidelines, 2015. Collection method: clinical testing. Allele origin: germline.

Institute for Biomarker Research, Medical Diagnostic Laboratories, L.L.C.
Classification: Benign for Hereditary cancer-predisposing syndrome. Last evaluated: 2025-01-15. Review status: criteria provided, single submitter. Criteria: ACMG Guidelines, 2015. Collection method: clinical testing. Allele origin: germline.
Comment: The splice region variant NM_006231.4(POLE):c.3379-5T>C has been reported to ClinVar as Benign with a status of (2 stars) criteria provided, multiple submitters, no conflicts (Variation ID 380222 as of 2025-01-02). The variant is observed in one or more well-documented healthy adults.The c.3379-5T>C variant is observed in 135/5,008 (2.6957%) alleles from individuals of 1kG All background in 1kG, indicating it is a common benign variant. The c.3379-5T>C variant is not predicted to disrupt the existing acceptor splice site 3bp upstream by any splice site algorithm. The c.3379-5T>C variant results in a substitution of a base that is not predicted conserved by GERP++ and PhyloP. For these reasons, this variant has been classified as Benign.

Blueprint Genetics
Classification: Likely benign. Last evaluated: 2024-11-27. Review status: criteria provided, single submitter. Criteria: ACMG Guidelines, 2015. Collection method: clinical testing. Allele origin: germline.

KCCC/NGS Laboratory, Kuwait Cancer Control Center
Classification: Benign for Colorectal cancer, susceptibility to, 12. Last evaluated: 2023-07-07. Review status: criteria provided, single submitter. Criteria: ACMG Guidelines, 2015. Collection method: clinical testing. Allele origin: germline. Affected: yes.

Mayo Clinic Laboratories, Mayo Clinic
Classification: Benign. Last evaluated: 2022-04-08. Review status: criteria provided, single submitter. Criteria: ACMG Guidelines, 2015. Collection method: clinical testing. Allele origin: germline. Observed: 41 variant alleles.

PreventionGenetics, part of Exact Sciences
Classification: Benign. Last evaluated: 2016-11-02. Review status: criteria provided, single submitter. Criteria: ACMG Guidelines, 2015. Collection method: clinical testing. Allele origin: germline.

Women's Health and Genetics/Laboratory Corporation of America, LabCorp
Classification: Benign. Last evaluated: 2016-05-19. Review status: criteria provided, single submitter. Criteria: LabCorp Variant Classification Summary - May 2015. Collection method: clinical testing. Allele origin: germline.
Comment: Variant summary: c.3379-5T>C in POLE gene is an intronic change that involves a non-conserved nucleotide. The variant is present in the control population dataset of ExAC at frequency of 0.0333 (3963/118996 chrs tested), predominantly in individuals of Latin descent (0.17; 1945/11380 chrs tested) including numerous homozygous occurrences. The observed frequencies exceed the maximum expected allele frequency for a pathogenic variant of 0.0014%, suggesting that it is a benign polymorphism. The variant of interest has not, to our knowledge, been reported in affected individuals in published reports or cited by reputable databases/clinical laboratory. Taking together, based on the prevalence of this variant in general population the variant was classified as Benign.

Laboratory for Molecular Medicine, Mass General Brigham Personalized Medicine
Classification: Benign. Last evaluated: 2016-03-29. Review status: criteria provided, single submitter. Criteria: LMM Criteria. Collection method: clinical testing. Allele origin: germline.
Comment: Variant identified in a genome or exome case(s) and assessed due to predicted null impact of the variant or pathogenic assertions in the literature or databases. Disclaimer: This variant has not undergone full assessment. The following are preliminary notes: Frequency

GeneDx
Classification: Benign. Last evaluated: 2015-11-06. Review status: criteria provided, single submitter. Criteria: GeneDx Variant Classification (06012015). Collection method: clinical testing. Allele origin: germline. Affected: yes.
Comment: This variant is considered likely benign or benign based on one or more of the following criteria: it is a conservative change, it occurs at a poorly conserved position in the protein, it is predicted to be benign by multiple in silico algorithms, and/or has population frequency not consistent with disease.

Ambry Genetics
Classification: Benign for Hereditary cancer-predisposing syndrome. Last evaluated: 2015-05-20. Review status: criteria provided, single submitter. Criteria: Ambry Variant Classification Scheme 2023. Collection method: clinical testing. Allele origin: germline.

Breakthrough Genomics
Classification: Benign. Review status: criteria provided, single submitter. Criteria: ACMG Guidelines, 2015. Collection method: not provided. Allele origin: germline. Inheritance: Autosomal recessive inheritance. Affected: yes.

True Health Diagnostics
Classification: Likely benign for Hereditary cancer-predisposing syndrome. Last evaluated: 2017-12-08. Review status: no assertion criteria provided. Collection method: clinical testing. Allele origin: germline. Not counted in ClinVar's aggregate classification.

Clinical Genetics, Academic Medical Center
Classification: Benign. Review status: no assertion criteria provided. Collection method: clinical testing. Allele origin: germline. Affected: yes. Study: VKGL Data-share Consensus. Not counted in ClinVar's aggregate classification.

Department of Pathology and Laboratory Medicine, Sinai Health System
Classification: Benign. Review status: no assertion criteria provided. Collection method: clinical testing. Allele origin: unknown. Affected: yes. Study: The Canadian Open Genetics Repository (COGR). Not counted in ClinVar's aggregate classification.
Comment: The POLE c.3379-5T>C variant was not identified in the literature, Cosmic, MutDB, or LOVD 3.0. The variant was identified in dbSNP (ID: rs5744886) as â€šÃ„ÃºWith Benign alleleâ€šÃ„Ã¹ and ClinVar (classified benign by GeneDx, Laboratory for Molecular Medicine/Partners HealthCare Personalized Medicine, Invitae, and Ambry Genetics). The variant was also identified in control databases in 10094 (549 homozygous) of 276806 chromosomes at a frequency of 0.04 (Genome Aggregation Database Feb 27, 2017). The variant was observed in the following populations: Latino in 5548 (480 homozygous) of 34370 chromosomes (freq: 0.2), African in 136 of 24016 chromosomes (freq: 0.006), Other in 229 (8 homozygous) of 6464 chromosomes (freq: 0.04), European in 3101 (46 homozygous) of 126470 chromosomes (freq: 0.02), Ashkenazi Jewish in 71 (1 homozygous) of 10144 chromosomes (freq: 0.007), East Asian in 4 of 18868 chromosomes (freq: 0.0002), Finnish in 790 (13 homozygous) of 25700 chromosomes (freq: 0.03), and South Asian in 215 (1 homozygous) of 30774 chromosomes (freq: 0.007). The c.3379-5T>C variant is located in the 3' splice region but does not affect the invariant -1 and -2 positions. Positions -3 and -5 to -12 are part of the splicing consensus sequence and variants involving these positions sometimes affect splicing; however, 5 of 5 in silico or computational prediction software programs (SpliceSiteFinder, MaxEntScan, NNSPLICE, GeneSplicer, HumanSpliceFinder) do not predict a difference in splicing. In summary, based on the above information, this variant meets our laboratory's criteria to be classified as benign.

Genome Diagnostics Laboratory, Amsterdam University Medical Center
Classification: Benign. Review status: no assertion criteria provided. Collection method: clinical testing. Allele origin: germline. Affected: yes. Study: VKGL Data-share Consensus. Not counted in ClinVar's aggregate classification.

Genome Diagnostics Laboratory, University Medical Center Utrecht
Classification: Benign. Review status: no assertion criteria provided. Collection method: clinical testing. Allele origin: germline. Affected: yes. Study: VKGL Data-share Consensus. Not counted in ClinVar's aggregate classification.

Laboratory of Diagnostic Genome Analysis, Leiden University Medical Center (LUMC)
Classification: Benign. Review status: no assertion criteria provided. Collection method: clinical testing. Allele origin: germline. Affected: yes. Study: VKGL Data-share Consensus. Not counted in ClinVar's aggregate classification.

NM_006231.4(POLE):c.3379-5T>C

Gene: POLE (DNA polymerase epsilon, catalytic subunit; minus strand). Cytogenetic location: 12q24.33.
Variant type: single nucleotide variant.
Coding change: c.3379-5T>C on transcript NM_006231.4 (MANE Select); 5 bases into the intron before coding-DNA position 3379, T replaced by C.
Molecular consequence: intron variant.
Genome position (GRCh38, 1-based): chr12:132,657,434, A>G on the plus strand (T>C on the coding strand, the complement: POLE is on the minus strand). VCF-style: chr12-132657434-A-G. GRCh37 (hg19) VCF-style: chr12-133234020-A-G.
Other names: p.?.
Identifiers: ClinVar variation 380222 (VCV000380222.47), dbSNP rs5744886, ClinGen allele CA6893246.